The following is an entry in ClinVar:

ClinVar aggregate classification (germline): Uncertain significance (1 of 4 stars; one submission).

gnomAD v4.1: 111 of 1,613,960 alleles (0.0069%); highest among the groups gnomAD compares: East Asian, 0.25%; no homozygotes.

Submissions (2):

GeneDx
Classification: Uncertain significance. Last evaluated: 2024-07-24. Review status: criteria provided, single submitter. Criteria: GeneDx Variant Classification Process June 2021. Collection method: clinical testing. Allele origin: germline. Affected: yes.
Comment: In silico analysis supports a deleterious effect on splicing; Has not been previously published as pathogenic or benign to our knowledge

Dr. Peter K. Rogan Lab, Western University
No classification provided (evidence only). Condition: Cervical cancer. Review status: no classification provided. Collection method: in vitro. Allele origin: not applicable. Functional consequence: retained intron. Not counted in ClinVar's aggregate classification.

NM_001170535.3(ATAD3A):c.206-9C>A

Gene: ATAD3A (ATPase family AAA domain containing 3A; plus strand). Cytogenetic location: 1p36.33.
Variant type: single nucleotide variant.
Coding change: c.206-9C>A on transcript NM_001170535.3 (MANE Select); 9 bases into the intron before coding-DNA position 206, C replaced by A.
Molecular consequence: intron variant.
Genome position (GRCh38, 1-based): chr1:1,516,003, C>A. VCF-style: chr1-1516003-C-A. GRCh37 (hg19) VCF-style: chr1-1451383-C-A.
Other names: NC_000001.10:g.1451383C>A; c.206-9C>A (NM_018188.5); c.-32-9C>A (NM_001170536.3).
Identifiers: ClinVar variation 3600845 (VCV003600845.2).